The following is an entry in ClinVar:

ClinVar aggregate classification (germline): Uncertain significance (1 of 4 stars; one submission).

Allele frequency attached by ClinVar (database versions not stated): TOPMed 0.00001.

Submission:

Labcorp Genetics (formerly Invitae), Labcorp
Classification: Uncertain significance. Last evaluated: 2022-06-04. Review status: criteria provided, single submitter. Criteria: Invitae Variant Classification Sherloc (09022015). Collection method: clinical testing. Allele origin: germline.
Comment: This sequence change replaces leucine, which is neutral and non-polar, with proline, which is neutral and non-polar, at codon 95 of the TCIRG1 protein (p.Leu95Pro). This variant is not present in population databases (gnomAD no frequency). This variant has not been reported in the literature in individuals affected with TCIRG1-related conditions. ClinVar contains an entry for this variant (Variation ID: 1500224). Algorithms developed to predict the effect of missense changes on protein structure and function are either unavailable or do not agree on the potential impact of this missense change (SIFT: "Deleterious"; PolyPhen-2: "Benign"; Align-GVGD: "Class C0"). In summary, the available evidence is currently insufficient to determine the role of this variant in disease. Therefore, it has been classified as a Variant of Uncertain Significance.

NM_006019.4(TCIRG1):c.284T>C (p.Leu95Pro)

Gene: TCIRG1 (T cell immune regulator 1, ATPase H+ transporting V0 subunit a3; plus strand). Cytogenetic location: 11q13.2.
Variant type: single nucleotide variant.
Coding change: c.284T>C on transcript NM_006019.4 (MANE Select); coding-DNA position 284, T replaced by C.
Protein change: p.Leu95Pro; replaces leucine 95 with proline.
Molecular consequence: missense variant. On other transcripts: 5 prime UTR variant (1).
Genome position (GRCh38, 1-based): chr11:68,042,730, T>C. VCF-style: chr11-68042730-T-C. GRCh37 (hg19) VCF-style: chr11-67810197-T-C.
Other names: c.-966T>C (NM_001351059.2); short protein forms L95P.
Identifiers: ClinVar variation 1500224 (VCV001500224.6), dbSNP rs1855230472, ClinGen allele CA381575715.